The following is an entry in ClinVar:

NC_000011.10:g.94456339dup

Gene: MRE11 (MRE11 double strand break repair nuclease; minus strand). Cytogenetic location: 11q21.
Variant type: Duplication.
Genome position: GRCh38 VCF-style: chr11-94456337-A-AC. GRCh37 (hg19) VCF-style: chr11-94189503-A-AC.
Identifiers: ClinVar variation 2756987 (VCV002756987.3), dbSNP rs2496361666, ClinGen allele CA2697548875.

ClinVar aggregate classification (germline): Pathogenic (1 of 4 stars; one submission).

Conditions:
Ataxia-telangiectasia-like disorder (ATLD). Identifiers: MedGen C1858391, MONDO:0011457.

Submission:

Labcorp Genetics (formerly Invitae), Labcorp
Classification: Pathogenic for Ataxia-telangiectasia-like disorder. Last evaluated: 2023-11-01. Review status: criteria provided, single submitter. Criteria: Invitae Variant Classification Sherloc (09022015). Collection method: clinical testing. Allele origin: germline.
Comment: This sequence change creates a premature translational stop signal (p.Val501Glyfs*13) in the MRE11 gene. It is expected to result in an absent or disrupted protein product. Loss-of-function variants in MRE11 are known to be pathogenic (PMID: 23080121, 23912341). This variant is not present in population databases (gnomAD no frequency). This variant has not been reported in the literature in individuals affected with MRE11-related conditions. For these reasons, this variant has been classified as Pathogenic.

Literature cited by the submitters: PubMed 23080121; PubMed 23912341.